The following is an entry in ClinVar:

NM_001035.3(RYR2):c.*716_*722del

Gene: RYR2 (ryanodine receptor 2; plus strand). Cytogenetic location: 1q43.
Variant type: Deletion.
Coding change: c.*716_*722del on transcript NM_001035.3 (MANE Select); 716 bases downstream of the stop codon through 722 bases downstream of the stop codon, 7 bases deleted (CGCCCCC; older notation c.*716_*722delCGCCCCC).
Molecular consequence: 3 prime UTR variant.
Genome position (GRCh38, 1-based): chr1:237,833,363-237,833,369, CGCCCCC deleted; deleting any 7 consecutive bases within chr1:237,833,358-237,833,369 gives the same sequence; the c. name uses the placement nearest the transcript's 3' end. VCF-style (leftmost placement, unchanged base first): chr1-237833357-CCCCCCCG-C. GRCh37 (hg19) VCF-style: chr1-237996657-CCCCCCCG-C.
Identifiers: ClinVar variation 2640125 (VCV002640125.24), dbSNP rs1209166764, ClinGen allele CA529555127.
Genomic context (GRCh38, chr1:237,833,357, plus strand): 5'-GTGGTGTGTCTCAGGACAAAAGGAGGCTCTTCTCATTCAGCTAAATTCACATTTGCCCCC[CCCCCCCG>C]CCCCCGCCCCCATATGCTCCTGCTATTATTTTGGTAATGCTCTGATGCAACATTGCAACT-3'

ClinVar aggregate classification (germline): Benign (1 of 4 stars; one submission).

Submission:

CeGaT Center for Human Genetics Tuebingen
Classification: Benign. Last evaluated: 2022-05-01. Review status: criteria provided, single submitter. Criteria: CeGaT Center For Human Genetics Tuebingen Variant Classification Criteria Version 2. Collection method: clinical testing. Allele origin: germline. Affected: yes. Observed: 1 variant allele.
Comment: RYR2: BS1, BS2